The following is an entry in ClinVar:

ClinVar aggregate classification (germline): Uncertain significance (1 of 4 stars; one submission).

Conditions:
Episodic ataxia type 2 (EA2). Also called: CEREBELLAR ATAXIA, PAROXYSMAL, ACETAZOLAMIDE-RESPONSIVE; CEREBELLOPATHY, HEREDITARY PAROXYSMAL; EPISODIC ATAXIA, NYSTAGMUS-ASSOCIATED; ACETAZOLAMIDE-RESPONSIVE HEREDITARY PAROXYSMAL CEREBELLAR ATAXIA; ATAXIA, EPISODIC, WITH NYSTAGMUS; ATAXIA, FAMILIAL PAROXYSMAL. Identifiers: Orphanet 97, MedGen C1720416, MONDO:0007163, OMIM 108500.
Developmental and epileptic encephalopathy, 42 (DEE42A). Also called: Epileptic encephalopathy, early infantile, 42; DEVELOPMENTAL AND EPILEPTIC ENCEPHALOPATHY 42A; EPILEPTIC ENCEPHALOPATHY, EARLY INFANTILE, 42A. Identifiers: MedGen C4310716, MONDO:0014917, OMIM 617106.

Allele frequency attached by ClinVar (database versions not stated): gnomAD exomes below 0.00001.
gnomAD v4.1: 2 of 1,613,730 alleles (0.00012%); highest among the groups gnomAD compares: Non-Finnish European, 0.00017%; no homozygotes.

Submission:

Labcorp Genetics (formerly Invitae), Labcorp
Classification: Uncertain significance for Developmental and epileptic encephalopathy, 42; Episodic ataxia type 2. Last evaluated: 2023-05-04. Review status: criteria provided, single submitter. Criteria: Invitae Variant Classification Sherloc (09022015). Collection method: clinical testing. Allele origin: germline.
Comment: This variant has not been reported in the literature in individuals affected with CACNA1A-related conditions. In summary, the available evidence is currently insufficient to determine the role of this variant in disease. Therefore, it has been classified as a Variant of Uncertain Significance. This variant disrupts the p.Val1807 amino acid residue in CACNA1A. Other variant(s) that disrupt this residue have been determined to be pathogenic (PMID: 31171384). This suggests that this residue is clinically significant, and that variants that disrupt this residue are likely to be disease-causing. Advanced modeling of protein sequence and biophysical properties (such as structural, functional, and spatial information, amino acid conservation, physicochemical variation, residue mobility, and thermodynamic stability) has been performed at Invitae for this missense variant, however the output from this modeling did not meet the statistical confidence thresholds required to predict the impact of this variant on CACNA1A protein function. This variant is not present in population databases (gnomAD no frequency). This sequence change replaces valine, which is neutral and non-polar, with isoleucine, which is neutral and non-polar, at codon 1807 of the CACNA1A protein (p.Val1807Ile).

Literature cited by the submitters: PubMed 31171384.

NM_001127222.2(CACNA1A):c.5416G>A (p.Val1806Ile)

Gene: CACNA1A (calcium voltage-gated channel subunit alpha1 A; minus strand). Cytogenetic location: 19p13.13.
Variant type: single nucleotide variant.
Coding change: c.5416G>A on transcript NM_001127222.2 (MANE Select); coding-DNA position 5416, G replaced by A.
Protein change: p.Val1806Ile; replaces valine 1806 with isoleucine.
Molecular consequence: missense variant.
Genome position (GRCh38, 1-based): chr19:13,230,194, C>T on the plus strand (G>A on the coding strand, the complement: CACNA1A is on the minus strand). VCF-style: chr19-13230194-C-T. GRCh37 (hg19) VCF-style: chr19-13341008-C-T.
Other names: c.5434G>A, p.Val1812Ile (NM_000068.4, NM_023035.3); c.5419G>A, p.Val1807Ile (NM_001127221.2); c.5425G>A, p.Val1809Ile (NM_001174080.2); short protein forms V1807I, V1806I, V1809I, V1812I.
Identifiers: ClinVar variation 2947460 (VCV002947460.3), dbSNP rs2512618232, ClinGen allele CA404333768.